The following is an entry in ClinVar:

NM_005654.6(NR2F1):c.282C>A (p.Ser94Arg)

Genes: NR2F1 (nuclear receptor subfamily 2 group F member 1; plus strand), NR2F1-AS1 (NR2F1 regulatory antisense RNA 1; minus strand). Cytogenetic location: 5q15.
Variant type: single nucleotide variant.
Coding change: c.282C>A on transcript NM_005654.6 (MANE Select); coding-DNA position 282, C replaced by A.
Protein change: p.Ser94Arg; replaces serine 94 with arginine.
Molecular consequence: missense variant.
Genome position (GRCh38, 1-based): chr5:93,585,305, C>A. VCF-style: chr5-93585305-C-A. GRCh37 (hg19) VCF-style: chr5-92921011-C-A.
Other names: short protein forms S94R.
Identifiers: ClinVar variation 2572229 (VCV002572229.2), dbSNP rs1753211000, ClinGen allele CA360525920.
Genomic context (GRCh38, chr5:93,585,305, plus strand): 5'-GCCCGGTTCGGGCCAGAGCCAGCAGCACATCGAGTGCGTGGTGTGCGGGGACAAGTCGAG[C>A]GGCAAGCACTACGGCCAATTCACCTGCGAGGGCTGCAAAAGTTTCTTCAAGAGGAGCGTC-3'
Protein context (NP_005645.1, residues 84-104): IECVVCGDKS[Ser94Arg]GKHYGQFTCE

ClinVar aggregate classification (germline): Pathogenic/Likely pathogenic. Review status: criteria provided, multiple submitters, no conflicts (2 of 4 stars). 2 submissions from 2 submitters: Pathogenic (1); Likely pathogenic (1). Last evaluated 2026-07-14.

Conditions:
Bosch-Boonstra-Schaaf optic atrophy syndrome (BBSOAS). Also called: NR2F1-Related Neurodevelopmental Disorder. Identifiers: Orphanet 401777, MedGen C3810363, MONDO:0014320, OMIM 615722.

Submissions (2):

Clinical Genetics Laboratory, Skane University Hospital Lund
Classification: Likely pathogenic for Bosch-Boonstra-Schaaf optic atrophy syndrome. Last evaluated: 2026-07-14. Review status: criteria provided, single submitter. Criteria: ACMG Guidelines, 2015. Collection method: clinical testing. Allele origin: de novo. Affected: yes.
Comment: NR2F1 (NM_005654.6) c.282C>A, p.(Ser94Arg) represents a nucleotide substitution in exon 1 of 3, resulting in an amino acid change predicted to be deleterious by in silico analysis. The variant lies within a functional domain of the NR2F1 protein (PMID: 26986877). The variant has not been detected in the general population (gnomAD v4.1.1) and has previously been reported as pathogenic in ClinVar (Accession: VCV002572229.1) in an affected patient. NR2F1 c.282C>A, p.(Ser94Arg) has been classified as likely pathogenic based on the following ACMG criteria: PS2_Moderate, PS4_Supporting, PM1, PM2, and PP3.

Greenwood Genetic Center Diagnostic Laboratories, Greenwood Genetic Center
Classification: Pathogenic for Bosch-Boonstra-Schaaf optic atrophy syndrome. Last evaluated: 2023-05-19. Review status: criteria provided, single submitter. Criteria: ACMG Guidelines, 2015. Collection method: clinical testing. Allele origin: germline. Affected: yes.
Comment: PS2, PM1, PM2, PP2, PP3